The following is an entry in ClinVar:

ClinVar aggregate classification (germline): Uncertain significance (1 of 4 stars; one submission).

Submission:

Labcorp Genetics (formerly Invitae), Labcorp
Classification: Uncertain significance. Last evaluated: 2025-02-25. Review status: criteria provided, single submitter. Criteria: Invitae Variant Classification Sherloc (09022015). Collection method: clinical testing. Allele origin: germline.
Comment: This sequence change creates a premature translational stop signal (p.Gln358*) in the SAMD9L gene. While this is not anticipated to result in nonsense mediated decay, it is expected to disrupt the last 1227 amino acid(s) of the SAMD9L protein. This variant is not present in population databases (gnomAD no frequency). This variant has not been reported in the literature in individuals affected with SAMD9L-related conditions. In summary, the available evidence is currently insufficient to determine the role of this variant in disease. Therefore, it has been classified as a Variant of Uncertain Significance.

NM_152703.5(SAMD9L):c.1072C>T (p.Gln358Ter)

Gene: SAMD9L (sterile alpha motif domain containing 9 like; minus strand). Cytogenetic location: 7q21.2.
Variant type: single nucleotide variant.
Coding change: c.1072C>T on transcript NM_152703.5 (MANE Select); coding-DNA position 1072, C replaced by T.
Protein change: p.Gln358Ter; replaces glutamine 358 with a stop codon.
Molecular consequence: nonsense.
Genome position (GRCh38, 1-based): chr7:93,134,900, G>A on the plus strand (C>T on the coding strand, the complement: SAMD9L is on the minus strand). VCF-style: chr7-93134900-G-A. GRCh37 (hg19) VCF-style: chr7-92764213-G-A.
Other names: c.1072C>T, p.Gln358Ter (NM_001303496.3, NM_001303497.3, NM_001303498.3 and 5 more transcripts); short protein forms Q358*.
Identifiers: ClinVar variation 4713276 (VCV004713276.1).